The following is an entry in ClinVar:

NM_001372.4(DNAH9):c.12298-3C>G

Gene: DNAH9 (dynein axonemal heavy chain 9; plus strand). Cytogenetic location: 17p12.
Variant type: single nucleotide variant.
Coding change: c.12298-3C>G on transcript NM_001372.4 (MANE Select); 3 bases into the intron before coding-DNA position 12298, C replaced by G.
Molecular consequence: intron variant.
Genome position (GRCh38, 1-based): chr17:11,933,877, C>G. VCF-style: chr17-11933877-C-G. GRCh37 (hg19) VCF-style: chr17-11837194-C-G.
Other names: p.?; c.1234-3C>G (NM_004662.2).
Identifiers: ClinVar variation 1639536 (VCV001639536.10), dbSNP rs202076353, ClinGen allele CA8398118.

ClinVar aggregate classification (germline): Conflicting classifications of pathogenicity. Review status: criteria provided, conflicting classifications (1 of 4 stars). 3 submissions from 3 submitters: Uncertain significance (2); Likely benign (1). Last evaluated 2026-01-21.

Allele frequency attached by ClinVar (database versions not stated): gnomAD exomes 0.00006 and 0.00020; ExAC 0.00023; 1000 Genomes Project 0.00060; gnomAD 0.00062 and 0.00065; TOPMed 0.00069; 1000 Genomes Project 30x 0.00078; ESP Exome Variant Server 0.00092.
gnomAD v4.1: 185 of 1,608,180 alleles (0.012%); highest among the groups gnomAD compares: African/African-American, 0.22%; no homozygotes.

Submissions (3):

Labcorp Genetics (formerly Invitae), Labcorp
Classification: Likely benign. Last evaluated: 2026-01-21. Review status: criteria provided, single submitter. Criteria: Invitae Variant Classification Sherloc (09022015). Collection method: clinical testing. Allele origin: germline.

Mayo Clinic Laboratories, Mayo Clinic
Classification: Uncertain significance. Last evaluated: 2025-01-15. Review status: criteria provided, single submitter. Criteria: ACMG Guidelines, 2015. Collection method: clinical testing. Allele origin: germline. Observed: 1 variant allele.
Comment: BS1

Blueprint Genetics
Classification: Uncertain significance. Last evaluated: 2024-07-12. Review status: criteria provided, single submitter. Criteria: ACMG Guidelines, 2015. Collection method: clinical testing. Allele origin: germline.